The following is an entry in ClinVar:

NM_015021.3(ZNF292):c.6064G>T (p.Ala2022Ser)

Gene: ZNF292 (zinc finger protein 292; plus strand). Cytogenetic location: 6q14.3.
Variant type: single nucleotide variant.
Coding change: c.6064G>T on transcript NM_015021.3 (MANE Select); coding-DNA position 6064, G replaced by T.
Protein change: p.Ala2022Ser; replaces alanine 2022 with serine.
Molecular consequence: missense variant.
Genome position (GRCh38, 1-based): chr6:87,259,693, G>T. VCF-style: chr6-87259693-G-T. GRCh37 (hg19) VCF-style: chr6-87969411-G-T.
Other names: NC_000006.11:g.87969411G>T; c.5644G>T, p.Ala1882Ser (NM_001351444.2); c.6064G>T (NM_015021.1); short protein forms A1882S, A2022S.
Identifiers: ClinVar variation 1879670 (VCV001879670.31), dbSNP rs149892183, ClinGen allele CA3914563.

ClinVar aggregate classification (germline): Likely benign. Review status: criteria provided, multiple submitters, no conflicts (2 of 4 stars). 2 submissions from 2 submitters: Likely benign (2). Last evaluated 2026-08-01.

Conditions:
Inborn genetic diseases. Identifiers: MedGen C0950123, MeSH D030342.

Allele frequency attached by ClinVar (database versions not stated): 1000 Genomes Project 0.00100; 1000 Genomes Project 30x 0.00125; ESP Exome Variant Server 0.00186.
gnomAD v4.1: 3,524 of 1,599,704 alleles (0.22%); highest among the groups gnomAD compares: Non-Finnish European, 0.27%; 4 homozygotes.

Submissions (4):

CeGaT Center for Human Genetics Tuebingen
Classification: Likely benign. Last evaluated: 2026-08-01. Review status: criteria provided, single submitter. Criteria: CeGaT Center For Human Genetics Tuebingen Variant Classification Criteria Version 2. Collection method: clinical testing. Allele origin: germline. Affected: yes. Observed: 9 variant alleles.
Comment: ZNF292: BP4, BS1

Ambry Genetics
Classification: Likely benign for Inborn genetic diseases. Last evaluated: 2023-11-09. Review status: criteria provided, single submitter. Criteria: Ambry Variant Classification Scheme 2023. Collection method: clinical testing. Allele origin: germline.

Dr. Peter K. Rogan Lab, Western University
No classification provided (evidence only). Condition: Sarcoma. Review status: no classification provided. Collection method: in vitro. Allele origin: not applicable. Functional consequence: retained intron. Not counted in ClinVar's aggregate classification.

Dr. Peter K. Rogan Lab, Western University
No classification provided (evidence only). Condition: Sarcoma. Review status: no classification provided. Collection method: in vitro. Allele origin: not applicable. Functional consequence: retained intron. Not counted in ClinVar's aggregate classification.